The following is an entry in ClinVar:

NM_001211.6(BUB1B):c.1071A>T (p.Lys357Asn)

Gene: BUB1B (BUB1 mitotic checkpoint serine/threonine kinase B; plus strand). Cytogenetic location: 15q15.1.
Variant type: single nucleotide variant.
Coding change: c.1071A>T on transcript NM_001211.6 (MANE Select); coding-DNA position 1071, A replaced by T.
Protein change: p.Lys357Asn; replaces lysine 357 with asparagine.
Molecular consequence: missense variant.
Genome position (GRCh38, 1-based): chr15:40,196,557, A>T. VCF-style: chr15-40196557-A-T. GRCh37 (hg19) VCF-style: chr15-40488758-A-T.
Other names: short protein forms K357N.
Identifiers: ClinVar variation 1783478 (VCV001783478.2), dbSNP rs1595526276, ClinGen allele CA391686908.

ClinVar aggregate classification (germline): Uncertain significance (1 of 4 stars; one submission).

Conditions:
Inborn genetic diseases. Identifiers: MedGen C0950123, MeSH D030342.

Submission:

Ambry Genetics
Classification: Uncertain significance for Inborn genetic diseases. Last evaluated: 2021-06-15. Review status: criteria provided, single submitter. Criteria: Ambry Variant Classification Scheme 2023. Collection method: clinical testing. Allele origin: germline.
Comment: The p.K357N variant (also known as c.1071A>T), located in coding exon 9 of the BUB1B gene, results from an A to T substitution at nucleotide position 1071. The lysine at codon 357 is replaced by asparagine, an amino acid with similar properties. This amino acid position is conserved. In addition, this alteration is predicted to be tolerated by in silico analysis. Since supporting evidence is limited at this time, the clinical significance of this alteration remains unclear.